The following is an entry in ClinVar:

NM_001384474.1(LOXHD1):c.4962G>A (p.Glu1654=)

Gene: LOXHD1 (lipoxygenase homology PLAT domains 1; minus strand). Cytogenetic location: 18q21.1.
Variant type: single nucleotide variant.
Coding change: c.4962G>A on transcript NM_001384474.1 (MANE Select); coding-DNA position 4962, G replaced by A.
Protein change: p.Glu1654=; no amino-acid change (glutamic acid 1654 retained).
Molecular consequence: synonymous variant.
Genome position (GRCh38, 1-based): chr18:46,522,224, C>T on the plus strand (G>A on the coding strand, the complement: LOXHD1 is on the minus strand). VCF-style: chr18-46522224-C-T. GRCh37 (hg19) VCF-style: chr18-44102187-C-T.
Other names: c.1629G>A, p.Glu543= (NM_001145472.3); c.1341G>A, p.Glu447= (NM_001308013.2); c.4962G>A, p.Glu1654= (NM_144612.7).
Identifiers: ClinVar variation 669281 (VCV000669281.1), dbSNP rs1434313029, ClinGen allele CA503809268.

ClinVar aggregate classification (germline): Likely benign (1 of 4 stars; one submission).

Allele frequency attached by ClinVar (database versions not stated): gnomAD exomes below 0.00001.
gnomAD v4.1: 5 of 1,551,862 alleles (0.00032%); highest among the groups gnomAD compares: East Asian, 0.0098%; no homozygotes.

Submission:

GeneDx
Classification: Likely benign. Last evaluated: 2018-05-31. Review status: criteria provided, single submitter. Criteria: GeneDx Variant Classification (06012015). Collection method: clinical testing. Allele origin: germline. Affected: yes.
Comment: This variant is considered likely benign or benign based on one or more of the following criteria: it is a conservative change, it occurs at a poorly conserved position in the protein, it is predicted to be benign by multiple in silico algorithms, and/or has population frequency not consistent with disease.